The following is an entry in ClinVar:

ClinVar aggregate classification (germline): Uncertain significance (1 of 4 stars; one submission).

Conditions:
Cardiovascular phenotype. Identifiers: MedGen CN230736.

gnomAD v4.1: 4 of 1,612,052 alleles (0.00025%); highest among the groups gnomAD compares: Non-Finnish European, 0.00034%; no homozygotes.

Submission:

Ambry Genetics
Classification: Uncertain significance for Cardiovascular phenotype. Last evaluated: 2020-08-24. Review status: criteria provided, single submitter. Criteria: Ambry Variant Classification Scheme 2023. Collection method: clinical testing. Allele origin: germline.
Comment: The c.7492+1G>A intronic variant results from a G to A substitution one nucleotide after coding exon 20 of the TNXB gene. Alterations that disrupt the canonical splice site are expected to cause aberrant splicing, resulting in an abnormal protein or a transcript that is subject to nonsense-mediated mRNA decay. The resulting transcript is predicted to be in-frame and is not expected to trigger nonsense-mediated mRNA decay; however, direct evidence is unavailable. This nucleotide position is highly conserved in available vertebrate species. In silico splice site analysis predicts that this alteration will weaken the native splice donor site and could result in the creation or strengthening of a novel splice donor site. The exact functional effect of the missing amino acids is unknown. Since supporting evidence is limited at this time, the clinical significance of this alteration remains unclear.

NM_001365276.2(TNXB):c.7492+1G>A

Gene: TNXB (tenascin XB; minus strand). Cytogenetic location: 6p21.33.
Variant type: single nucleotide variant.
Coding change: c.7492+1G>A on transcript NM_001365276.2 (MANE Select); the canonical splice donor site of the intron after coding-DNA position 7492, G replaced by A.
Molecular consequence: splice donor variant.
Genome position (GRCh38, 1-based): chr6:32,061,396, C>T on the plus strand (G>A on the coding strand, the complement: TNXB is on the minus strand). VCF-style: chr6-32061396-C-T. GRCh37 (hg19) VCF-style: chr6-32029173-C-T.
Other names: c.7492+1G>A (NM_019105.8).
Identifiers: ClinVar variation 1759164 (VCV001759164.2), dbSNP rs1777994352, ClinGen allele CA363552074.